The following is an entry in ClinVar:

NM_007294.4(BRCA1):c.2576A>G (p.Asn859Ser)

Gene: BRCA1 (BRCA1 DNA repair associated; minus strand). Cytogenetic location: 17q21.31.
Variant type: single nucleotide variant.
Coding change: c.2576A>G on transcript NM_007294.4 (MANE Select); coding-DNA position 2576, A replaced by G.
Protein change: p.Asn859Ser; replaces asparagine 859 with serine.
Molecular consequence: missense variant. On other transcripts: intron variant (137).
Genome position (GRCh38, 1-based): chr17:43,092,955, T>C on the plus strand (A>G on the coding strand, the complement: BRCA1 is on the minus strand). VCF-style: chr17-43092955-T-C. GRCh37 (hg19) VCF-style: chr17-41244972-T-C.
Other names: c.2576A>G, p.Asn859Ser (NM_001407605.1, NM_001407616.1, NM_001407617.1 and 30 more transcripts); c.2573A>G, p.Asn858Ser (NM_001407610.1, NM_001407611.1, NM_001407612.1 and 22 more transcripts); c.2450A>G, p.Asn817Ser (NM_001407649.1, NM_001407670.1, NM_001407671.1 and 11 more transcripts); c.2498A>G, p.Asn833Ser (NM_001407653.1, NM_001407654.1, NM_001407655.1 and 4 more transcripts); c.2495A>G, p.Asn832Ser (NM_001407659.1, NM_001407660.1, NM_001407661.1 and 1 more transcripts); c.2453A>G, p.Asn818Ser (NM_001407674.1, NM_001407675.1, NM_001407676.1 and 19 more transcripts); c.2435A>G, p.Asn812Ser (NM_001407692.1, NM_001407694.1, NM_001407695.1 and 29 more transcripts); c.2432A>G, p.Asn811Ser (NM_001407740.1, NM_001407741.1, NM_001407742.1 and 20 more transcripts); and 41 more; short protein forms N812S, N859S, N731S, N747S, N748S, N791S, N792S, N858S.
Identifiers: ClinVar variation 821510 (VCV000821510.9), dbSNP rs1597869096, ClinGen allele CA10596839.

ClinVar aggregate classification (germline): Conflicting classifications of pathogenicity. Review status: criteria provided, conflicting classifications (1 of 4 stars). 4 submissions from 4 submitters: Uncertain significance (3); Likely benign (1). Last evaluated 2025-11-17.

Conditions:
Hereditary cancer-predisposing syndrome. Also called: Hereditary Cancer Syndrome; Hereditary neoplastic syndrome; Neoplastic Syndromes, Hereditary; Tumor predisposition. Identifiers: Orphanet 140162, MedGen C0027672, MeSH D009386, MONDO:0015356.
Hereditary breast ovarian cancer syndrome. Also called: BRCA1- and BRCA2-Associated Hereditary Breast and Ovarian Cancer; Hereditary breast and ovarian cancer syndrome (HBOC); Hereditary breast and ovarian cancer syndrome; Breast and ovarian cancer; Hereditary breast and ovarian cancer; Hereditary breast and/or ovarian cancer syndrome. Identifiers: Orphanet 145, MedGen C0677776, MeSH D061325, MONDO:0003582. Disease mechanism: loss of function.
Breast-ovarian cancer, familial, susceptibility to, 1 (BROVCA1). Also called: OVARIAN CANCER, SUSCEPTIBILITY TO; BRCA1 Hereditary Breast and Ovarian Cancer. Identifiers: Orphanet 145, MedGen C2676676, MONDO:0011450, OMIM 604370. Disease mechanism: loss of function.

Submissions (4):

Labcorp Genetics (formerly Invitae), Labcorp
Classification: Uncertain significance for Hereditary breast ovarian cancer syndrome. Last evaluated: 2025-11-17. Review status: criteria provided, single submitter. Criteria: Invitae Variant Classification Sherloc (09022015). Collection method: clinical testing. Allele origin: germline.
Comment: This sequence change replaces asparagine, which is neutral and polar, with serine, which is neutral and polar, at codon 859 of the BRCA1 protein (p.Asn859Ser). This variant is not present in population databases (gnomAD no frequency). This variant has not been reported in the literature in individuals affected with BRCA1-related conditions. ClinVar contains an entry for this variant (Variation ID: 821510). Invitae Evidence Modeling of protein sequence and biophysical properties (such as structural, functional, and spatial information, amino acid conservation, physicochemical variation, residue mobility, and thermodynamic stability) indicates that this missense variant is not expected to disrupt BRCA1 protein function with a negative predictive value of 80%. In summary, the available evidence is currently insufficient to determine the role of this variant in disease. Therefore, it has been classified as a Variant of Uncertain Significance.

All of Us Research Program, National Institutes of Health
Classification: Uncertain significance for Breast-ovarian cancer, familial, susceptibility to, 1. Last evaluated: 2023-05-30. Review status: criteria provided, single submitter. Criteria: ACMG Guidelines, 2015. Collection method: clinical testing. Allele origin: germline. Inheritance: Autosomal dominant inheritance. Observed: 1 variant allele, 1 heterozygote.
Comment: This missense variant replaces asparagine with serine at codon 859 of the BRCA1 protein. Computational prediction suggests that this variant may not impact protein structure and function (internally defined REVEL score threshold <= 0.5, PMID: 27666373). To our knowledge, functional studies have not been reported for this variant. This variant has not been reported in individuals affected with BRCA1-related disorders in the literature. This variant has not been identified in the general population by the Genome Aggregation Database (gnomAD). The available evidence is insufficient to determine the role of this variant in disease conclusively. Therefore, this variant is classified as a Variant of Uncertain Significance.

This study involves interpretation of variants in research participants for the purpose of population health screening. Participant phenotype was not available at the time of variant classification. Additional details can be found in publication PMID: 35346344, PMCID: PMC8962531

University of Washington Department of Laboratory Medicine, University of Washington
Classification: Likely benign for Hereditary cancer-predisposing syndrome. Last evaluated: 2023-03-23. Review status: criteria provided, single submitter. Criteria: Dines et al. (Genet Med. 2020). Collection method: curation. Allele origin: germline.
Comment: Missense variant in a coldspot region where missense variants are very unlikely to be pathogenic (PMID:31911673).

BRCA1 coldspot (exon 11 using historical exon numbering). Reclassification based on statistical prior probability

Ambry Genetics
Classification: Uncertain significance for Hereditary cancer-predisposing syndrome. Last evaluated: 2019-08-19. Review status: criteria provided, single submitter. Criteria: Ambry Variant Classification Scheme 2023. Collection method: clinical testing. Allele origin: germline.
Comment: The p.N859S variant (also known as c.2576A>G), located in coding exon 9 of the BRCA1 gene, results from an A to G substitution at nucleotide position 2576. The asparagine at codon 859 is replaced by serine, an amino acid with highly similar properties. This amino acid position is well conserved in available vertebrate species. In addition, this alteration is predicted to be tolerated by in silico analysis. Since supporting evidence is limited at this time, the clinical significance of this alteration remains unclear.